The following is an entry in ClinVar:

NM_018896.5(CACNA1G):c.530C>T (p.Ser177Leu)

Gene: CACNA1G (calcium voltage-gated channel subunit alpha1 G; plus strand). Cytogenetic location: 17q21.33.
Variant type: single nucleotide variant.
Coding change: c.530C>T on transcript NM_018896.5 (MANE Select); coding-DNA position 530, C replaced by T.
Protein change: p.Ser177Leu; replaces serine 177 with leucine.
Molecular consequence: missense variant. On other transcripts: non-coding transcript variant (5).
Genome position (GRCh38, 1-based): chr17:50,569,747, C>T. VCF-style: chr17-50569747-C-T. GRCh37 (hg19) VCF-style: chr17-48647108-C-T.
Other names: c.530C>T, p.Ser177Leu (NM_001256324.2, NM_001256325.2, NM_001256326.2 and 24 more transcripts); short protein forms S177L.
Identifiers: ClinVar variation 3360219 (VCV003360219.1).

ClinVar aggregate classification (germline): Uncertain significance (1 of 4 stars; one submission).

Submission:

GeneDx
Classification: Uncertain significance. Last evaluated: 2023-06-20. Review status: criteria provided, single submitter. Criteria: GeneDx Variant Classification Process June 2021. Collection method: clinical testing. Allele origin: germline. Affected: yes.
Comment: Not observed at significant frequency in large population cohorts (gnomAD); In silico analysis supports that this missense variant has a deleterious effect on protein structure/function; Has not been previously published as pathogenic or benign to our knowledge